The following is an entry in ClinVar:

NM_032043.3(BRIP1):c.1993C>T (p.Gln665Ter)

Gene: BRIP1 (BRCA1 interacting DNA helicase 1; minus strand). Cytogenetic location: 17q23.2.
Variant type: single nucleotide variant.
Coding change: c.1993C>T on transcript NM_032043.3 (MANE Select); coding-DNA position 1993, C replaced by T.
Protein change: p.Gln665Ter; replaces glutamine 665 with a stop codon.
Molecular consequence: nonsense.
Genome position (GRCh38, 1-based): chr17:61,776,505, G>A on the plus strand (C>T on the coding strand, the complement: BRIP1 is on the minus strand). VCF-style: chr17-61776505-G-A. GRCh37 (hg19) VCF-style: chr17-59853866-G-A.
Other names: short protein forms Q665*.
Identifiers: ClinVar variation 652157 (VCV000652157.13), dbSNP rs1603328780, ClinGen allele CA400478426.

ClinVar aggregate classification (germline): Pathogenic. Review status: criteria provided, multiple submitters, no conflicts (2 of 4 stars). 3 submissions from 3 submitters: Pathogenic (3). Last evaluated 2025-12-01.

Conditions:
Familial cancer of breast. Also called: hereditary breast carcinoma; BREAST CANCER, FAMILIAL; Hereditary breast cancer. Identifiers: Orphanet 227535, MedGen C0346153, MONDO:0016419, OMIM 114480. Disease mechanism: loss of function.
Fanconi anemia complementation group J. Also called: BRIP1-Related Fanconi Anemia. Identifiers: Orphanet 84, MedGen C1836860, MONDO:0012187, OMIM 609054.
Hereditary cancer-predisposing syndrome. Also called: Hereditary Cancer Syndrome; Tumor predisposition; Neoplastic Syndromes, Hereditary; Hereditary neoplastic syndrome. Identifiers: Orphanet 140162, MedGen C0027672, MeSH D009386, MONDO:0015356.

Submissions (3):

Labcorp Genetics (formerly Invitae), Labcorp
Classification: Pathogenic for Familial cancer of breast; Fanconi anemia complementation group J. Last evaluated: 2025-12-01. Review status: criteria provided, single submitter. Criteria: Invitae Variant Classification Sherloc (09022015). Collection method: clinical testing. Allele origin: germline.
Comment: This sequence change creates a premature translational stop signal (p.Gln665*) in the BRIP1 gene. It is expected to result in an absent or disrupted protein product. Loss-of-function variants in BRIP1 are known to be pathogenic (PMID: 16116423, 17033622, 21964575). This variant is not present in population databases (gnomAD no frequency). This variant has not been reported in the literature in individuals affected with BRIP1-related conditions. ClinVar contains an entry for this variant (Variation ID: 652157). For these reasons, this variant has been classified as Pathogenic.

Ambry Genetics
Classification: Pathogenic for Hereditary cancer-predisposing syndrome. Last evaluated: 2024-02-28. Review status: criteria provided, single submitter. Criteria: Ambry Variant Classification Scheme 2023. Collection method: clinical testing. Allele origin: germline.
Comment: The p.Q665* pathogenic mutation (also known as c.1993C>T), located in coding exon 13 of the BRIP1 gene, results from a C to T substitution at nucleotide position 1993. This changes the amino acid from a glutamine to a stop codon within coding exon 13. This alteration is expected to result in loss of function by premature protein truncation or nonsense-mediated mRNA decay. As such, this alteration is interpreted as a disease-causing mutation.

Myriad Genetics, Inc.
Classification: Pathogenic for Familial cancer of breast. Last evaluated: 2023-06-05. Review status: criteria provided, single submitter. Criteria: Myriad Autosomal Dominant, Autosomal Recessive and X-Linked Classification Criteria (2023). Collection method: clinical testing. Allele origin: unknown.
Comment: This variant is considered pathogenic. This variant creates a termination codon and is predicted to result in premature protein truncation.

Literature cited by the submitters: PubMed 16116423 (cited by Labcorp Genetics (formerly Invitae), Labcorp); PubMed 17033622 (cited by Labcorp Genetics (formerly Invitae), Labcorp); PubMed 21964575 (cited by Labcorp Genetics (formerly Invitae), Labcorp).